The following is an entry in ClinVar:

NM_138576.4(BCL11B):c.2680A>C (p.Ser894Arg)

Gene: BCL11B (BCL11 transcription factor B; minus strand). Cytogenetic location: 14q32.2.
Variant type: single nucleotide variant.
Coding change: c.2680A>C on transcript NM_138576.4 (MANE Select); coding-DNA position 2680, A replaced by C.
Protein change: p.Ser894Arg; replaces serine 894 with arginine.
Molecular consequence: missense variant.
Genome position (GRCh38, 1-based): chr14:99,174,156, T>G on the plus strand (A>C on the coding strand, the complement: BCL11B is on the minus strand). VCF-style: chr14-99174156-T-G. GRCh37 (hg19) VCF-style: chr14-99640493-T-G.
Other names: c.2677A>C, p.Ser893Arg (NM_001282237.2); c.2464A>C, p.Ser822Arg (NM_001282238.2); c.2467A>C, p.Ser823Arg (NM_022898.3); short protein forms S823R, S893R, S822R, S894R.
Identifiers: ClinVar variation 2832146 (VCV002832146.3), dbSNP rs2503634940, ClinGen allele CA390932647.

ClinVar aggregate classification (germline): Uncertain significance (1 of 4 stars; one submission).

Submission:

Labcorp Genetics (formerly Invitae), Labcorp
Classification: Uncertain significance. Last evaluated: 2024-07-22. Review status: criteria provided, single submitter. Criteria: Invitae Variant Classification Sherloc (09022015). Collection method: clinical testing. Allele origin: germline.
Comment: This sequence change replaces serine, which is neutral and polar, with arginine, which is basic and polar, at codon 894 of the BCL11B protein (p.Ser894Arg). This variant is not present in population databases (gnomAD no frequency). This variant has not been reported in the literature in individuals affected with BCL11B-related conditions. An algorithm developed to predict the effect of missense changes on protein structure and function (PolyPhen-2) suggests that this variant is likely to be tolerated. In summary, the available evidence is currently insufficient to determine the role of this variant in disease. Therefore, it has been classified as a Variant of Uncertain Significance.